The following is an entry in ClinVar:

NM_152703.5(SAMD9L):c.4676G>C (p.Gly1559Ala)

Gene: SAMD9L (sterile alpha motif domain containing 9 like; minus strand). Cytogenetic location: 7q21.2.
Variant type: single nucleotide variant.
Coding change: c.4676G>C on transcript NM_152703.5 (MANE Select); coding-DNA position 4676, G replaced by C.
Protein change: p.Gly1559Ala; replaces glycine 1559 with alanine.
Molecular consequence: missense variant.
Genome position (GRCh38, 1-based): chr7:93,131,296, C>G on the plus strand (G>C on the coding strand, the complement: SAMD9L is on the minus strand). VCF-style: chr7-93131296-C-G. GRCh37 (hg19) VCF-style: chr7-92760609-C-G.
Other names: c.4676G>C, p.Gly1559Ala (NM_001303496.3, NM_001303497.3, NM_001303498.3 and 5 more transcripts); short protein forms G1559A.
Identifiers: ClinVar variation 3792287 (VCV003792287.1).

ClinVar aggregate classification (germline): Uncertain significance (1 of 4 stars; one submission).

Conditions:
Inborn genetic diseases. Identifiers: MedGen C0950123, MeSH D030342.

gnomAD v4.1: 3 of 1,612,072 alleles (0.00019%); highest among the groups gnomAD compares: East Asian, 0.0067%; no homozygotes.

Submission:

Ambry Genetics
Classification: Uncertain significance for Inborn genetic diseases. Last evaluated: 2025-01-06. Review status: criteria provided, single submitter. Criteria: Ambry Variant Classification Scheme 2023. Collection method: clinical testing. Allele origin: germline.
Comment: The p.G1559A variant (also known as c.4676G>C), located in coding exon 1 of the SAMD9L gene, results from a G to C substitution at nucleotide position 4676. The glycine at codon 1559 is replaced by alanine, an amino acid with similar properties. This amino acid position is conserved. In addition, this alteration is predicted to be tolerated by in silico analysis. Based on the available evidence, the clinical significance of this variant remains unclear.